The following is an entry in ClinVar:

ClinVar aggregate classification (germline): Conflicting classifications of pathogenicity. Review status: criteria provided, conflicting classifications (1 of 4 stars). 2 submissions from 2 submitters: Uncertain significance (1); Likely benign (1). Last evaluated 2023-08-17.

Conditions:
Alstrom syndrome (ALMS). Identifiers: Orphanet 64, MedGen C0268425, MONDO:0008763, OMIM 203800.

Allele frequency attached by ClinVar (database versions not stated): TOPMed below 0.00001.

Submissions (2):

Labcorp Genetics (formerly Invitae), Labcorp
Classification: Likely benign for Alstrom syndrome. Last evaluated: 2023-08-17. Review status: criteria provided, single submitter. Criteria: Invitae Variant Classification Sherloc (09022015). Collection method: clinical testing. Allele origin: germline.

Victorian Clinical Genetics Services, Murdoch Childrens Research Institute
Classification: Uncertain significance for Alstrom syndrome. Last evaluated: 2022-02-02. Review status: criteria provided, single submitter. Criteria: ACMG Guidelines, 2015. Collection method: clinical testing. Allele origin: germline. Inheritance: Autosomal recessive inheritance.
Comment: Based on the classification scheme VCGS_Germline_v1.3.4, this variant is classified as VUS-3B. Following criteria are met: 0102 - Loss of function is a known mechanism of disease in this gene and is associated with Alstrom syndrome (MIM#203800). (I) 0106 - This gene is associated with autosomal recessive disease. (I) 0212 - Non-canonical splice site variant without proven consequence on splicing (no functional evidence available). (SP) 0251 - This variant is heterozygous. (I) 0301 - Variant is absent from gnomAD (both v2 and v3). (SP) 0508 - In silico predictions for abnormal splicing are inconclusive. (I) 0705 - No comparable missense variants have previous evidence for pathogenicity. (I) 0807 - This variant has no previous evidence of pathogenicity. (I) 0905 - No published segregation evidence has been identified for this variant. (I) 1007 - No published functional evidence has been identified for this variant. (I) 1208 - Inheritance information for this variant is not currently available in this individual. (I) Legend: (SP) - Supporting pathogenic, (I) - Information, (SB) - Supporting benign

NM_001378454.1(ALMS1):c.12363-5C>G

Gene: ALMS1 (ALMS1 centrosome and basal body associated protein; plus strand). Cytogenetic location: 2p13.1.
Variant type: single nucleotide variant.
Coding change: c.12363-5C>G on transcript NM_001378454.1 (MANE Select); 5 bases into the intron before coding-DNA position 12363, C replaced by G.
Molecular consequence: intron variant.
Genome position (GRCh38, 1-based): chr2:73,608,470, C>G. VCF-style: chr2-73608470-C-G. GRCh37 (hg19) VCF-style: chr2-73835597-C-G.
Other names: c.12366-5C>G (NM_015120.4); c.12363-5C>G (NM_015120.4).
Identifiers: ClinVar variation 1698983 (VCV001698983.8), dbSNP rs774448248, ClinGen allele CA1261039829.